The following is an entry in ClinVar:

NM_001048174.2(MUTYH):c.308G>T (p.Trp103Leu)

Gene: MUTYH (mutY DNA glycosylase; minus strand). Cytogenetic location: 1p34.1.
Variant type: single nucleotide variant.
Coding change: c.308G>T on transcript NM_001048174.2 (MANE Select); coding-DNA position 308, G replaced by T.
Protein change: p.Trp103Leu; replaces tryptophan 103 with leucine.
Molecular consequence: missense variant. On other transcripts: non-coding transcript variant (1), intron variant (2).
Genome position (GRCh38, 1-based): chr1:45,333,167, C>A on the plus strand (G>T on the coding strand, the complement: MUTYH is on the minus strand). VCF-style: chr1-45333167-C-A. GRCh37 (hg19) VCF-style: chr1-45798839-C-A.
Other names: c.308G>T, p.Trp103Leu (NM_001048171.2, NM_001048173.2, NM_001293195.2 and 6 more transcripts); c.311G>T, p.Trp104Leu (NM_001048172.2, NM_001407071.1, NM_001407078.1 and 2 more transcripts); c.392G>T, p.Trp131Leu (NM_001128425.2); c.353G>T, p.Trp118Leu (NM_001293190.2); c.341G>T, p.Trp114Leu (NM_001293191.2, NM_001407077.1); c.32G>T, p.Trp11Leu (NM_001293192.2, NM_001293196.2, NM_001407091.1); c.383G>T, p.Trp128Leu (NM_001407069.1, NM_012222.3); c.350G>T, p.Trp117Leu (NM_001407073.1, NM_001407083.1, NM_001407085.1); and 3 more; short protein forms W117L, W118L, W75L, W103L, W110L, W114L, W11L, W128L.
Identifiers: ClinVar variation 1736259 (VCV001736259.4), dbSNP rs1300812494, ClinGen allele CA340136212.

ClinVar aggregate classification (germline): Uncertain significance. Review status: criteria provided, multiple submitters, no conflicts (2 of 4 stars). 2 submissions from 2 submitters: Uncertain significance (2). Last evaluated 2024-04-29.

Conditions:
Hereditary cancer-predisposing syndrome. Also called: Hereditary Cancer Syndrome; Hereditary neoplastic syndrome; Neoplastic Syndromes, Hereditary; Tumor predisposition. Identifiers: Orphanet 140162, MedGen C0027672, MeSH D009386, MONDO:0015356.

Allele frequency attached by ClinVar (database versions not stated): TOPMed below 0.00001; gnomAD 0.00001.
gnomAD v4.1: 1 of 1,613,744 alleles (0.000062%); highest among the groups gnomAD compares: African/African-American, 0.0013%; no homozygotes.

Submissions (2):

Ambry Genetics
Classification: Uncertain significance for Hereditary cancer-predisposing syndrome. Last evaluated: 2024-04-29. Review status: criteria provided, single submitter. Criteria: Ambry Variant Classification Scheme 2023. Collection method: clinical testing. Allele origin: germline.
Comment: The p.W131L variant (also known as c.392G>T), located in coding exon 5 of the MUTYH gene, results from a G to T substitution at nucleotide position 392. The tryptophan at codon 131 is replaced by leucine, an amino acid with similar properties. This amino acid position is highly conserved in available vertebrate species. In addition, this alteration is predicted to be deleterious by in silico analysis. Since supporting evidence is limited at this time, the clinical significance of this alteration remains unclear.

Blueprint Genetics
Classification: Uncertain significance. Last evaluated: 2024-01-26. Review status: criteria provided, single submitter. Criteria: ACMG Guidelines, 2015. Collection method: clinical testing. Allele origin: germline.